The following is an entry in ClinVar:

ClinVar aggregate classification (germline): Pathogenic (1 of 4 stars; one submission).

Conditions:
Inborn genetic diseases. Identifiers: MedGen C0950123, MeSH D030342.

Submission:

Ambry Genetics
Classification: Pathogenic for Inborn genetic diseases. Last evaluated: 2021-02-23. Review status: criteria provided, single submitter. Criteria: Ambry Variant Classification Scheme 2023. Collection method: clinical testing. Allele origin: germline.
Comment: The c.76C>T (p.R26*) alteration, located in exon 2 (coding exon 2) of the ARCN1 gene, consists of a C to T substitution at nucleotide position 76. This changes the amino acid from an arginine (R) to a stop codon at amino acid position 26. This alteration is expected to result in loss of function by premature protein truncation or nonsense-mediated mRNA decay. Based on data from the Genome Aggregation Database (gnomAD), the ARCN1 c.76C>T alteration was not observed, with coverage at this position. Based on the available evidence, this alteration is classified as pathogenic.

NM_001655.5(ARCN1):c.76C>T (p.Arg26Ter)

Gene: ARCN1 (archain 1; plus strand). Cytogenetic location: 11q23.3.
Variant type: single nucleotide variant.
Coding change: c.76C>T on transcript NM_001655.5 (MANE Select); coding-DNA position 76, C replaced by T.
Protein change: p.Arg26Ter; replaces arginine 26 with a stop codon.
Molecular consequence: nonsense. On other transcripts: intron variant (1).
Genome position (GRCh38, 1-based): chr11:118,581,318, C>T. VCF-style: chr11-118581318-C-T. GRCh37 (hg19) VCF-style: chr11-118452033-C-T.
Other names: c.4-1861C>T (NM_001142281.2); short protein forms R26*.
Identifiers: ClinVar variation 2229622 (VCV002229622.2), dbSNP rs1555074545, ClinGen allele CA382800954.